The following is an entry in ClinVar:

ClinVar aggregate classification (germline): Likely benign. Review status: criteria provided, multiple submitters, no conflicts (2 of 4 stars). 3 submissions from 3 submitters: Likely benign (3). Last evaluated 2025-02-12.

Conditions:
Developmental and epileptic encephalopathy, 18 (DEE18). Also called: Early infantile epileptic encephalopathy 18. Identifiers: Orphanet 369894, MedGen C3809624, MONDO:0014201, OMIM 615476.

Allele frequency attached by ClinVar (database versions not stated): gnomAD exomes below 0.00001; gnomAD 0.00003; TOPMed 0.00003.
gnomAD v4.1: 6 of 1,592,694 alleles (0.00038%); highest among the groups gnomAD compares: African/African-American, 0.0067%; no homozygotes.

Submissions (3):

Labcorp Genetics (formerly Invitae), Labcorp
Classification: Likely benign. Last evaluated: 2025-02-12. Review status: criteria provided, single submitter. Criteria: Invitae Variant Classification Sherloc (09022015). Collection method: clinical testing. Allele origin: germline.

CeGaT Center for Human Genetics Tuebingen
Classification: Likely benign. Last evaluated: 2023-05-01. Review status: criteria provided, single submitter. Criteria: CeGaT Center For Human Genetics Tuebingen Variant Classification Criteria Version 2. Collection method: clinical testing. Allele origin: germline. Affected: yes. Observed: 1 variant allele.
Comment: SZT2: BP4, BP7

Genome-Nilou Lab
Classification: Likely benign for Developmental and epileptic encephalopathy, 18. Last evaluated: 2023-04-11. Review status: criteria provided, single submitter. Criteria: ACMG Guidelines, 2015. Collection method: clinical testing. Allele origin: germline. Affected: no.

NM_001365999.1(SZT2):c.2169A>T (p.Ser723=)

Gene: SZT2 (SZT2 subunit of KICSTOR complex; plus strand). Cytogenetic location: 1p34.2.
Variant type: single nucleotide variant.
Coding change: c.2169A>T on transcript NM_001365999.1 (MANE Select); coding-DNA position 2169, A replaced by T.
Protein change: p.Ser723=; no amino-acid change (serine 723 retained).
Molecular consequence: synonymous variant.
Genome position (GRCh38, 1-based): chr1:43,423,230, A>T. VCF-style: chr1-43423230-A-T. GRCh37 (hg19) VCF-style: chr1-43888901-A-T.
Other names: c.2169A>T, p.Ser723= (NM_015284.4).
Identifiers: ClinVar variation 1133416 (VCV001133416.32), dbSNP rs1327247768, ClinGen allele CA417548970.
Genomic context (GRCh38, chr1:43,423,230, plus strand): 5'-GCCCAAGGTGAAACGAAAAGGGCTAGGGGGTGCTGGTGGGGGCAGCTCTCCCTCCAAGTC[A>T]CCCCCCGTGCTGGGGCCACAGCAGGCCCTGTCTGACCGGCCCTGCCTTGTGGTCCTGCAT-3'
Protein context (NP_001352928.1, residues 713-733): GAGGGSSPSK[Ser723=]PPVLGPQQAL